The following is an entry in ClinVar:

NM_000497.4(CYP11B1):c.244G>A (p.Asp82Asn)

Gene: CYP11B1 (cytochrome P450 family 11 subfamily B member 1; minus strand). Cytogenetic location: 8q24.3.
Variant type: single nucleotide variant.
Coding change: c.244G>A on transcript NM_000497.4 (MANE Select); coding-DNA position 244, G replaced by A.
Protein change: p.Asp82Asn; replaces aspartic acid 82 with asparagine.
Molecular consequence: missense variant.
Genome position (GRCh38, 1-based): chr8:142,879,183, C>T on the plus strand (G>A on the coding strand, the complement: CYP11B1 is on the minus strand). VCF-style: chr8-142879183-C-T. GRCh37 (hg19) VCF-style: chr8-143960599-C-T.
Other names: c.244G>A, p.Asp82Asn (NM_001026213.1); short protein forms D82N.
Identifiers: ClinVar variation 910245 (VCV000910245.4), dbSNP rs762347776, ClinGen allele CA4905579.
Genomic context (GRCh38, chr8:142,879,183, plus strand): 5'-GTTGCAGCTTCTCCACGTCCTCCGGCAGCATCACACACACCATGCCTGCTCCTCCCAAGT[C>T]GTACCTGTGGGGCCAAGCACGAGGCCGTGCTGGATGGGACCATGTCCCCGCTAGCCCCAC-3'
Protein context (NP_000488.3, residues 72-92): FQELGPIFRY[Asp82Asn]LGGAGMVCVM

ClinVar aggregate classification (germline): Conflicting classifications of pathogenicity. Review status: criteria provided, conflicting classifications (1 of 4 stars). 2 submissions from 1 submitter: Uncertain significance (1); Likely benign (1). Last evaluated 2018-01-13.

Conditions:
Deficiency of steroid 11-beta-monooxygenase (CYP11B1). Also called: ADRENAL HYPERPLASIA, CONGENITAL, DUE TO STEROID 11-BETA-HYDROXYLASE DEFICIENCY; 11-BETA-HYDROXYLASE DEFICIENCY; P450C11B1 DEFICIENCY; STEROID 11-BETA-HYDROXYLASE DEFICIENCY; Congenital adrenal hyperplasia due to 11-beta-hydroxylase deficiency; ADRENAL HYPERPLASIA IV. Identifiers: Orphanet 90795, MedGen C0268292, MONDO:0008729, OMIM 202010. Disease mechanism: loss of function.
Glucocorticoid-remediable aldosteronism. Also called: Hyperaldosteronism, familial, type I; ACTH-DEPENDENT HYPERALDOSTERONISM SYNDROME; ALDOSTERONISM, SENSITIVE TO DEXAMETHASONE; FH I; GLUCOCORTICOID-SUPPRESSIBLE HYPERALDOSTERONISM. Identifiers: Orphanet 403, MedGen C3838731, MONDO:0007080, OMIM 103900.

Allele frequency attached by ClinVar (database versions not stated): ExAC 0.00002; gnomAD exomes 0.00002; gnomAD 0.00003; TOPMed 0.00003.

Submissions (2):

Illumina Laboratory Services, Illumina
Classification: Uncertain significance for Deficiency of steroid 11-beta-monooxygenase. Last evaluated: 2018-01-13. Review status: criteria provided, single submitter. Criteria: ICSL Variant Classification Criteria 13 December 2019. Collection method: clinical testing. Allele origin: germline.

Illumina Laboratory Services, Illumina
Classification: Likely benign for Glucocorticoid-remediable aldosteronism. Last evaluated: 2018-01-13. Review status: criteria provided, single submitter. Criteria: ICSL Variant Classification Criteria 13 December 2019. Collection method: clinical testing. Allele origin: germline.
Comment: This variant was observed in the ICSL laboratory as part of a predisposition screen in an ostensibly healthy population. It had not been previously curated by ICSL or reported in the Human Gene Mutation Database (HGMD: prior to June 1st, 2018), and was therefore a candidate for classification through an automated scoring system. Utilizing variant allele frequency, disease prevalence and penetrance estimates, and inheritance mode, an automated score was calculated to assess if this variant is too frequent to cause the disease. Based on the score and internal cut-off values, a variant classified as likely benign is not then subjected to further curation. The score for this variant resulted in a classification of likely benign for this disease.